The following is an entry in ClinVar:

NM_004086.3(COCH):c.*237G>C

Gene: COCH (cochlin; plus strand). Cytogenetic location: 14q12.
Variant type: single nucleotide variant.
Coding change: c.*237G>C on transcript NM_004086.3 (MANE Select); 237 bases downstream of the stop codon, G replaced by C.
Molecular consequence: 3 prime UTR variant.
Genome position (GRCh38, 1-based): chr14:30,890,028, G>C. VCF-style: chr14-30890028-G-C. GRCh37 (hg19) VCF-style: chr14-31359234-G-C.
Other names: c.*237G>C (NM_001135058.2, NM_001347720.2).
Identifiers: ClinVar variation 882787 (VCV000882787.4), dbSNP rs190142757, ClinGen allele CA258544344.
Genomic context (GRCh38, chr14:30,890,028, plus strand): 5'-TACAGTGTACTTTGTTAAAAACACTGCTGAGGCTTCATAATCATGGCTCTTAGAAACTCA[G>C]GAAAGAGGAGATAATGTGGATTAAAACCTTAAGAGTTCTAACCATGCCTACTAAATGTAC-3'

ClinVar aggregate classification (germline): Likely benign (1 of 4 stars; one submission).

Conditions:
Autosomal dominant nonsyndromic hearing loss 9. Identifiers: Orphanet 90635, MedGen C1832425, MONDO:0011058, OMIM 601369.

Allele frequency attached by ClinVar (database versions not stated): TOPMed 0.00025; gnomAD 0.00035 and 0.00037; 1000 Genomes Project 30x 0.00047; gnomAD exomes 0.00047; 1000 Genomes Project 0.00060.
gnomAD v4.1: 560 of 1,227,552 alleles (0.046%); highest among the groups gnomAD compares: Non-Finnish European, 0.051%; no homozygotes.

Submission:

Illumina Laboratory Services, Illumina
Classification: Likely benign for Autosomal dominant nonsyndromic hearing loss 9. Last evaluated: 2018-01-13. Review status: criteria provided, single submitter. Criteria: ICSL Variant Classification Criteria 13 December 2019. Collection method: clinical testing. Allele origin: germline.
Comment: This variant was observed in the ICSL laboratory as part of a predisposition screen in an ostensibly healthy population. It had not been previously curated by ICSL or reported in the Human Gene Mutation Database (HGMD: prior to June 1st, 2018), and was therefore a candidate for classification through an automated scoring system. Utilizing variant allele frequency, disease prevalence and penetrance estimates, and inheritance mode, an automated score was calculated to assess if this variant is too frequent to cause the disease. Based on the score and internal cut-off values, a variant classified as likely benign is not then subjected to further curation. The score for this variant resulted in a classification of likely benign for this disease.